The following is an entry in ClinVar:

ClinVar aggregate classification (germline): Uncertain significance. Review status: criteria provided, multiple submitters, no conflicts (2 of 4 stars). 2 submissions from 2 submitters: Uncertain significance (2). Last evaluated 2026-02-09.

Conditions:
Inborn genetic diseases. Identifiers: MedGen C0950123, MeSH D030342.
PCNT-related disorder. Also called: PCNT-related condition.

gnomAD v4.1: 47 of 1,614,206 alleles (0.0029%); highest among the groups gnomAD compares: South Asian, 0.013%; no homozygotes.

Submissions (2):

PreventionGenetics, part of Exact Sciences
Classification: Uncertain significance for PCNT-related condition. Last evaluated: 2026-02-09. Review status: criteria provided, single submitter. Criteria: ACMG Guidelines, 2015. Collection method: clinical testing. Allele origin: germline.
Comment: The PCNT c.1987G>A variant is predicted to result in the amino acid substitution p.Asp663Asn. To our knowledge, this variant has not been reported in the literature. This variant is reported in 0.023% of alleles in individuals of South Asian descent in gnomAD. At this time, the clinical significance of this variant is uncertain due to the absence of conclusive functional and genetic evidence.

Ambry Genetics
Classification: Uncertain significance for Inborn genetic diseases. Last evaluated: 2025-12-09. Review status: criteria provided, single submitter. Criteria: Ambry Variant Classification Scheme 2023. Collection method: clinical testing. Allele origin: germline.

NM_006031.6(PCNT):c.1987G>A (p.Asp663Asn)

Gene: PCNT (pericentrin; plus strand). Cytogenetic location: 21q22.3.
Variant type: single nucleotide variant.
Coding change: c.1987G>A on transcript NM_006031.6 (MANE Select); coding-DNA position 1987, G replaced by A.
Protein change: p.Asp663Asn; replaces aspartic acid 663 with asparagine.
Molecular consequence: missense variant.
Genome position (GRCh38, 1-based): chr21:46,357,024, G>A. VCF-style: chr21-46357024-G-A. GRCh37 (hg19) VCF-style: chr21-47776939-G-A.
Other names: c.1633G>A, p.Asp545Asn (NM_001315529.2); short protein forms D545N, D663N.
Identifiers: ClinVar variation 4627120 (VCV004627120.2).